The following is an entry in ClinVar:

ClinVar aggregate classification (germline): Pathogenic (1 of 4 stars; one submission).

Conditions:
Hyper-IgE recurrent infection syndrome 3, autosomal recessive. Also called: Autosomal recessive hyper-IgE syndrome due to ZNF341 deficiency; HYPER-IgE SYNDROME 3, AUTOSOMAL RECESSIVE, WITH RECURRENT INFECTIONS. Identifiers: Orphanet 641368, MedGen C4748969, MONDO:0032654, OMIM 618282.

Submission:

Labcorp Genetics (formerly Invitae), Labcorp
Classification: Pathogenic for Combined immunodeficiency due to DOCK8 deficiency. Last evaluated: 2022-09-04. Review status: criteria provided, single submitter. Criteria: Invitae Variant Classification Sherloc (09022015). Collection method: clinical testing. Allele origin: germline.
Comment: For these reasons, this variant has been classified as Pathogenic. This variant has not been reported in the literature in individuals affected with DOCK8-related conditions. This variant is a gross deletion of the genomic region encompassing exon(s) 2-39 of the DOCK8 gene. This deletion is out-of-frame, and is expected to create a premature termination codon and result in an absent or disrupted protein product. Loss-of-function variants in DOCK8 are known to be pathogenic (PMID: 14722525, 19776401).

Literature cited by the submitters: PubMed 14722525; PubMed 19776401.

NC_000009.11:g.(?_271607)_(434995_?)del

Gene: DOCK8 (dedicator of cytokinesis 8; plus strand). Cytogenetic location: 9p24.3.
Variant type: Deletion.
Identifiers: ClinVar variation 1457238 (VCV001457238.9).